The following is an entry in ClinVar:

ClinVar aggregate classification (germline): Conflicting classifications of pathogenicity. Review status: criteria provided, conflicting classifications (1 of 4 stars). 6 submissions from 6 submitters: Uncertain significance (1); Likely benign (5). Last evaluated 2026-06-03.

Conditions:
PNKP-related disorder. Also called: PNKP-related condition; PNKP-related disorders.
Developmental and epileptic encephalopathy, 12 (DEE12). Identifiers: MedGen C3150988, MONDO:0013389, OMIM 613722.
Microcephaly, seizures, and developmental delay. Identifiers: Orphanet 1934, MedGen C3150667, MONDO:0013254, OMIM 613402.

Allele frequency attached by ClinVar (database versions not stated): gnomAD exomes 0.00006 and 0.00007; TOPMed 0.00006; ExAC 0.00007; gnomAD 0.00007 and 0.00009.

Submissions (6):

PreventionGenetics, part of Exact Sciences
Classification: Likely benign for PNKP-related condition. Last evaluated: 2026-06-03. Review status: criteria provided, single submitter. Criteria: ACMG Guidelines, 2015. Collection method: clinical testing. Allele origin: germline.
Comment: This variant is classified as likely benign based on ACMG/AMP sequence variant interpretation guidelines (Richards et al. 2015 PMID: 25741868, with internal and published modifications).

Labcorp Genetics (formerly Invitae), Labcorp
Classification: Likely benign for Developmental and epileptic encephalopathy, 12. Last evaluated: 2026-01-19. Review status: criteria provided, single submitter. Criteria: Invitae Variant Classification Sherloc (09022015). Collection method: clinical testing. Allele origin: germline.

CeGaT Center for Human Genetics Tuebingen
Classification: Likely benign. Last evaluated: 2024-11-01. Review status: criteria provided, single submitter. Criteria: CeGaT Center For Human Genetics Tuebingen Variant Classification Criteria Version 2. Collection method: clinical testing. Allele origin: germline. Affected: yes. Observed: 2 variant alleles.
Comment: PNKP: BP4, BP7

Blueprint Genetics
Classification: Likely benign. Last evaluated: 2024-01-04. Review status: criteria provided, single submitter. Criteria: ACMG Guidelines, 2015. Collection method: clinical testing. Allele origin: germline.

GeneDx
Classification: Likely benign. Last evaluated: 2021-05-06. Review status: criteria provided, single submitter. Criteria: GeneDx Variant Classification Process June 2021. Collection method: clinical testing. Allele origin: germline. Affected: yes.

Illumina Laboratory Services, Illumina
Classification: Uncertain significance for Microcephaly, seizures, and developmental delay. Last evaluated: 2018-01-15. Review status: criteria provided, single submitter. Criteria: ICSL Variant Classification Criteria 13 December 2019. Collection method: clinical testing. Allele origin: germline.

NM_007254.4(PNKP):c.822C>T (p.Asn274=)

Gene: PNKP (polynucleotide kinase 3'-phosphatase; minus strand). Cytogenetic location: 19q13.33.
Variant type: single nucleotide variant.
Coding change: c.822C>T on transcript NM_007254.4 (MANE Select); coding-DNA position 822, C replaced by T.
Protein change: p.Asn274=; no amino-acid change (asparagine 274 retained).
Molecular consequence: synonymous variant.
Genome position (GRCh38, 1-based): chr19:49,862,733, G>A on the plus strand (C>T on the coding strand, the complement: PNKP is on the minus strand). VCF-style: chr19-49862733-G-A. GRCh37 (hg19) VCF-style: chr19-50365990-G-A.
Identifiers: ClinVar variation 698800 (VCV000698800.50), dbSNP rs780677866, ClinGen allele CA9586764.